The following is an entry in ClinVar:

NM_001369.3(DNAH5):c.5603A>G (p.Asn1868Ser)

Gene: DNAH5 (dynein axonemal heavy chain 5; minus strand). Cytogenetic location: 5p15.2.
Variant type: single nucleotide variant.
Coding change: c.5603A>G on transcript NM_001369.3 (MANE Select); coding-DNA position 5603, A replaced by G.
Protein change: p.Asn1868Ser; replaces asparagine 1868 with serine.
Molecular consequence: missense variant.
Genome position (GRCh38, 1-based): chr5:13,841,012, T>C on the plus strand (A>G on the coding strand, the complement: DNAH5 is on the minus strand). VCF-style: chr5-13841012-T-C. GRCh37 (hg19) VCF-style: chr5-13841121-T-C.
Other names: short protein forms N1868S.
Identifiers: ClinVar variation 966178 (VCV000966178.8), dbSNP rs945907926, ClinGen allele CA113946829.

ClinVar aggregate classification (germline): Uncertain significance. Review status: criteria provided, multiple submitters, no conflicts (2 of 4 stars). 3 submissions from 3 submitters: Uncertain significance (2). 1 of the submissions does not count toward it. Last evaluated 2022-07-13.

Conditions:
Primary ciliary dyskinesia. Also called: Ciliary dyskinesia. Identifiers: Orphanet 244, MedGen C0008780, MONDO:0016575, HP:0012265.

Allele frequency attached by ClinVar (database versions not stated): gnomAD exomes below 0.00001; gnomAD 0.00001; TOPMed 0.00002.
gnomAD v4.1: 7 of 1,614,074 alleles (0.00043%); highest among the groups gnomAD compares: Admixed American, 0.0017%; no homozygotes.

Submissions (3):

Ambry Genetics
Classification: Uncertain significance for Primary ciliary dyskinesia. Last evaluated: 2022-07-13. Review status: criteria provided, single submitter. Criteria: Ambry Variant Classification Scheme 2023. Collection method: clinical testing. Allele origin: germline.

Labcorp Genetics (formerly Invitae), Labcorp
Classification: Uncertain significance for Primary ciliary dyskinesia. Last evaluated: 2021-08-26. Review status: criteria provided, single submitter. Criteria: Invitae Variant Classification Sherloc (09022015). Collection method: clinical testing. Allele origin: germline.
Comment: This sequence change replaces asparagine with serine at codon 1868 of the DNAH5 protein (p.Asn1868Ser). The asparagine residue is moderately conserved and there is a small physicochemical difference between asparagine and serine. This variant is not present in population databases (ExAC no frequency). This variant has not been reported in the literature in individuals affected with DNAH5-related conditions. Algorithms developed to predict the effect of missense changes on protein structure and function (SIFT, PolyPhen-2, Align-GVGD) all suggest that this variant is likely to be tolerated. In summary, the available evidence is currently insufficient to determine the role of this variant in disease. Therefore, it has been classified as a Variant of Uncertain Significance.

Natera, Inc.
Classification: Uncertain significance for Primary ciliary dyskinesia. Last evaluated: 2020-07-07. Review status: no assertion criteria provided. Collection method: clinical testing. Allele origin: germline. Not counted in ClinVar's aggregate classification.